The following is an entry in ClinVar:

NM_001130438.3(SPTAN1):c.4200G>C (p.Gln1400His)

Gene: SPTAN1 (spectrin alpha, non-erythrocytic 1; plus strand). Cytogenetic location: 9q34.11.
Variant type: single nucleotide variant.
Coding change: c.4200G>C on transcript NM_001130438.3 (MANE Select); coding-DNA position 4200, G replaced by C.
Protein change: p.Gln1400His; replaces glutamine 1400 with histidine.
Molecular consequence: missense variant.
Genome position (GRCh38, 1-based): chr9:128,607,905, G>C. VCF-style: chr9-128607905-G-C. GRCh37 (hg19) VCF-style: chr9-131370184-G-C.
Other names: c.4140G>C, p.Gln1380His (NM_001195532.2, NM_001363765.2, NM_001375314.2); c.4200G>C, p.Gln1400His (NM_001363759.2, NM_001375310.1, NM_001375311.2 and 2 more transcripts); c.4236G>C, p.Gln1412His (NM_001375312.2, NM_001375318.1); short protein forms Q1380H, Q1400H, Q1412H.
Identifiers: ClinVar variation 3768684 (VCV003768684.1).

ClinVar aggregate classification (germline): Uncertain significance (1 of 4 stars; one submission).

gnomAD v4.1: 2 of 1,614,120 alleles (0.00012%); highest among the groups gnomAD compares: Non-Finnish European, 0.000085%; no homozygotes.

Submission:

Women's Health and Genetics/Laboratory Corporation of America, LabCorp
Classification: Uncertain significance. Last evaluated: 2025-02-07. Review status: criteria provided, single submitter. Criteria: LabCorp Variant Classification Summary - May 2015. Collection method: clinical testing. Allele origin: germline.
Comment: Variant summary: SPTAN1 c.4200G>C (p.Gln1400His) results in a non-conservative amino acid change located in the spectrin repeats (IPR018159) of the encoded protein sequence. Four of five in-silico tools predict a damaging effect of the variant on protein function. The variant was absent in 251366 control chromosomes (gnomAD). The available data on variant occurrences in the general population are insufficient to allow any conclusion about variant significance. To our knowledge, no occurrence of c.4200G>C in individuals affected with Epileptic Encephalopathy, Early Infantile, 5 and no experimental evidence demonstrating its impact on protein function have been reported. No submitters have cited clinical-significance assessments for this variant to ClinVar. Based on the evidence outlined above, the variant was classified as uncertain significance.